The following is an entry in ClinVar:

NM_000540.3(RYR1):c.14035G>A (p.Ala4679Thr)

Gene: RYR1 (ryanodine receptor 1; plus strand). Cytogenetic location: 19q13.2.
Variant type: single nucleotide variant.
Coding change: c.14035G>A on transcript NM_000540.3 (MANE Select); coding-DNA position 14035, G replaced by A.
Protein change: p.Ala4679Thr; replaces alanine 4679 with threonine.
Molecular consequence: missense variant.
Genome position (GRCh38, 1-based): chr19:38,573,213, G>A. VCF-style: chr19-38573213-G-A. GRCh37 (hg19) VCF-style: chr19-39063853-G-A.
Other names: c.14020G>A, p.Ala4674Thr (NM_001042723.2); short protein forms A4674T, A4679T.
Identifiers: ClinVar variation 2637164 (VCV002637164.5), dbSNP rs1378518749, ClinGen allele CA405682051.

ClinVar aggregate classification (germline): Uncertain significance. Review status: criteria provided, multiple submitters, no conflicts (2 of 4 stars). 4 submissions from 4 submitters: Uncertain significance (4). Last evaluated 2024-08-06.

Conditions:
Malignant hyperthermia, susceptibility to, 1 (MHS1). Also called: Anesthesia related hyperthermia; Malignant hyperpyrexia; Fulminating hyperpyrexia; Pharmacogenic myopathy; RYR1-Related Malignant Hyperthermia Susceptibility; Malignant hyperthermia suceptibility 1. Identifiers: Orphanet 423, MedGen C2930980, MONDO:0007783, OMIM 145600.
RYR1-related disorder. Also called: RYR1-related condition; RYR1-related disorders. Identifiers: MedGen CN239331.

Allele frequency attached by ClinVar (database versions not stated): gnomAD 0.00001; gnomAD exomes 0.00001.
gnomAD v4.1: 12 of 1,613,876 alleles (0.00074%); highest among the groups gnomAD compares: Admixed American, 0.0017%; no homozygotes.

Submissions (4):

All of Us Research Program, National Institutes of Health
Classification: Uncertain significance for Malignant hyperthermia, susceptibility to, 1. Last evaluated: 2024-08-06. Review status: criteria provided, single submitter. Criteria: ACMG Guidelines, 2015. Collection method: clinical testing. Allele origin: germline. Inheritance: Autosomal dominant inheritance. Observed: 3 variant alleles, 3 heterozygotes.
Comment: This missense variant replaces alanine with threonine at codon 4679 of the RYR1 protein. Computational prediction suggests that this variant may have deleterious impact on protein structure and function (internally defined REVEL score threshold >= 0.7, PMID: 27666373). To our knowledge, functional studies have not been reported for this variant. This variant has not been reported in individuals affected with RYR1-related disorders in the literature. This variant has been identified in 1/31378 chromosomes in the general population by the Genome Aggregation Database (gnomAD). The available evidence is insufficient to determine the role of this variant in disease conclusively. Therefore, this variant is classified as a Variant of Uncertain Significance.

This study involves interpretation of variants in research participants for the purpose of population health screening. Participant phenotype was not available at the time of variant classification. Additional details can be found in publication PMID: 35346344, PMCID: PMC8962531

Color Diagnostics, LLC DBA Color Health
Classification: Uncertain significance for Malignant hyperthermia, susceptibility to, 1. Last evaluated: 2023-07-26. Review status: criteria provided, single submitter. Criteria: ACMG Guidelines, 2015. Collection method: clinical testing. Allele origin: germline.
Comment: This missense variant replaces alanine with threonine at codon 4679 of the RYR1 protein. Computational prediction suggests that this variant may have deleterious impact on protein structure and function. To our knowledge, functional studies have not been reported for this variant. This variant has not been reported in individuals affected with RYR1-related disorders in the literature. This variant has been identified in 1/31378 chromosomes in the general population by the Genome Aggregation Database (gnomAD). The available evidence is insufficient to determine the role of this variant in disease conclusively. Therefore, this variant is classified as a Variant of Uncertain Significance.

GeneDx
Classification: Uncertain significance. Last evaluated: 2023-05-21. Review status: criteria provided, single submitter. Criteria: GeneDx Variant Classification Process June 2021. Collection method: clinical testing. Allele origin: germline. Affected: yes.
Comment: Not observed at significant frequency in large population cohorts (gnomAD); In silico analysis supports that this missense variant has a deleterious effect on protein structure/function; Has not been previously published as pathogenic or benign to our knowledge; This variant is associated with the following publications: (PMID: 20681998, 33767344)

PreventionGenetics, part of Exact Sciences
Classification: Uncertain significance for RYR1-related condition. Last evaluated: 2022-09-28. Review status: criteria provided, single submitter. Criteria: ACMG Guidelines, 2015. Collection method: clinical testing. Allele origin: germline.
Comment: The RYR1 c.14035G>A variant is predicted to result in the amino acid substitution p.Ala4679Thr. To our knowledge, this variant has not been reported in the literature. This variant is reported in 0.0065% of alleles in individuals of European (Non-Finnish) descent in gnomAD. At this time, the clinical significance of this variant is uncertain due to the absence of conclusive functional and genetic evidence.